The following is an entry in ClinVar:

NM_201384.3(PLEC):c.9394C>T (p.Arg3132Cys)

Gene: PLEC (plectin; minus strand). Cytogenetic location: 8q24.3.
Variant type: single nucleotide variant.
Coding change: c.9394C>T on transcript NM_201384.3 (MANE Select); coding-DNA position 9394, C replaced by T.
Protein change: p.Arg3132Cys; replaces arginine 3132 with cysteine.
Molecular consequence: missense variant.
Genome position (GRCh38, 1-based): chr8:143,920,427, G>A on the plus strand (C>T on the coding strand, the complement: PLEC is on the minus strand). VCF-style: chr8-143920427-G-A. GRCh37 (hg19) VCF-style: chr8-144994595-G-A.
Other names: c.9475C>T, p.Arg3159Cys (NM_000445.5); c.9352C>T, p.Arg3118Cys (NM_201378.4); c.9328C>T, p.Arg3110Cys (NM_201379.3); c.9805C>T, p.Arg3269Cys (NM_201380.4); c.9298C>T, p.Arg3100Cys (NM_201381.3); c.9394C>T, p.Arg3132Cys (NM_201382.4); c.9406C>T, p.Arg3136Cys (NM_201383.3); short protein forms R3100C, R3110C, R3118C, R3132C, R3136C, R3159C, R3269C.
Identifiers: ClinVar variation 448082 (VCV000448082.13), dbSNP rs370266957, ClinGen allele CA4924985.

ClinVar aggregate classification (germline): Uncertain significance. Review status: criteria provided, multiple submitters, no conflicts (2 of 4 stars). 4 submissions from 4 submitters: Uncertain significance (4). Last evaluated 2025-04-29.

Conditions:
Epidermolysis bullosa simplex 5B, with muscular dystrophy (EBS5B). Also called: EPIDERMOLYSIS BULLOSA SIMPLEX AND LIMB-GIRDLE MUSCULAR DYSTROPHY; Epidermolysis bullosa simplex with muscular dystrophy. Identifiers: Orphanet 257, MedGen C2931072, MONDO:0009181, OMIM 226670.
Epidermolysis bullosa simplex, Ogna type (EBS5A). Also called: EPIDERMOLYSIS BULLOSA SIMPLEX 5A, OGNA TYPE; Pidermolysis bullosa simplex 5A, Ogna type. Identifiers: Orphanet 79401, MedGen C0432317, MONDO:0007555, OMIM 131950.
Epidermolysis bullosa simplex 5C, with pyloric atresia (EBS5C). Also called: PLEC1-Related Epidermolysis Bullosa with Pyloric Atresia; PLEC-Related Epidermolysis Bullosa with Pyloric Atresia; Epidermolysis bullosa simplex with pyloric atresia. Identifiers: Orphanet 158684, MedGen C2677349, MONDO:0012807, OMIM 612138.
Epidermolysis bullosa simplex with nail dystrophy (EBS5D). Identifiers: MedGen C4225309, MONDO:0014661, OMIM 616487.
Autosomal recessive limb-girdle muscular dystrophy type 2Q (LGMDR17). Also called: MUSCULAR DYSTROPHY, LIMB-GIRDLE, AUTOSOMAL RECESSIVE 17. Identifiers: Orphanet 254361, MedGen C3150989, MONDO:0013390, OMIM 613723.
Inborn genetic diseases. Identifiers: MedGen C0950123, MeSH D030342.

Allele frequency attached by ClinVar (database versions not stated): ExAC 0.00003; gnomAD 0.00004; TOPMed 0.00005; gnomAD exomes 0.00006; ESP Exome Variant Server 0.00008.
gnomAD v4.1: 31 of 1,596,990 alleles (0.0019%); highest among the groups gnomAD compares: Admixed American, 0.017%; no homozygotes.

Submissions (4):

Ambry Genetics
Classification: Uncertain significance for Inborn genetic diseases. Last evaluated: 2025-04-29. Review status: criteria provided, single submitter. Criteria: Ambry Variant Classification Scheme 2023. Collection method: clinical testing. Allele origin: germline.

Labcorp Genetics (formerly Invitae), Labcorp
Classification: Uncertain significance for Autosomal recessive limb-girdle muscular dystrophy type 2Q; Epidermolysis bullosa simplex, Ogna type; Epidermolysis bullosa simplex with nail dystrophy; Epidermolysis bullosa simplex 5C, with pyloric atresia; Epidermolysis bullosa simplex 5B, with muscular dystrophy. Last evaluated: 2025-04-27. Review status: criteria provided, single submitter. Criteria: Invitae Variant Classification Sherloc (09022015). Collection method: clinical testing. Allele origin: germline.
Comment: This sequence change replaces arginine, which is basic and polar, with cysteine, which is neutral and slightly polar, at codon 3159 of the PLEC protein (p.Arg3159Cys). This variant is present in population databases (rs370266957, gnomAD 0.03%). This variant has not been reported in the literature in individuals affected with PLEC-related conditions. ClinVar contains an entry for this variant (Variation ID: 448082). An algorithm developed to predict the effect of missense changes on protein structure and function (PolyPhen-2) suggests that this variant is likely to be disruptive. In summary, the available evidence is currently insufficient to determine the role of this variant in disease. Therefore, it has been classified as a Variant of Uncertain Significance.

Revvity Omics, Revvity
Classification: Uncertain significance. Last evaluated: 2025-04-02. Review status: criteria provided, single submitter. Criteria: ACMG Guidelines, 2015. Collection method: clinical testing. Allele origin: germline.

Athena Diagnostics
Classification: Uncertain significance. Last evaluated: 2018-10-22. Review status: criteria provided, single submitter. Criteria: Athena Diagnostics Criteria. Collection method: clinical testing. Allele origin: germline.